The following is an entry in ClinVar:

NM_014159.7(SETD2):c.1833G>T (p.Lys611Asn)

Gene: SETD2 (SET domain containing 2, histone lysine methyltransferase; minus strand). Cytogenetic location: 3p21.31.
Variant type: single nucleotide variant.
Coding change: c.1833G>T on transcript NM_014159.7 (MANE Select); coding-DNA position 1833, G replaced by T.
Protein change: p.Lys611Asn; replaces lysine 611 with asparagine.
Molecular consequence: missense variant. On other transcripts: non-coding transcript variant (1).
Genome position (GRCh38, 1-based): chr3:47,122,803, C>A on the plus strand (G>T on the coding strand, the complement: SETD2 is on the minus strand). VCF-style: chr3-47122803-C-A. GRCh37 (hg19) VCF-style: chr3-47164293-C-A.
Other names: c.1701G>T, p.Lys567Asn (NM_001349370.3); short protein forms K611N, K567N.
Identifiers: ClinVar variation 582290 (VCV000582290.20), dbSNP rs575862721, ClinGen allele CA2363627.

ClinVar aggregate classification (germline): Conflicting classifications of pathogenicity. Review status: criteria provided, conflicting classifications (1 of 4 stars). 4 submissions from 4 submitters: Uncertain significance (3); Likely benign (1). Last evaluated 2024-09-01.

Conditions:
Luscan-Lumish syndrome. Identifiers: Orphanet 597738, MedGen C4085873, MONDO:0014791, OMIM 616831.

Allele frequency attached by ClinVar (database versions not stated): gnomAD 0.00003; TOPMed 0.00003.
gnomAD v4.1: 116 of 1,613,124 alleles (0.0072%); highest among the groups gnomAD compares: Non-Finnish European, 0.0092%; no homozygotes.

Submissions (4):

CeGaT Center for Human Genetics Tuebingen
Classification: Likely benign. Last evaluated: 2024-09-01. Review status: criteria provided, single submitter. Criteria: CeGaT Center For Human Genetics Tuebingen Variant Classification Criteria Version 2. Collection method: clinical testing. Allele origin: germline. Affected: yes. Observed: 1 variant allele.
Comment: SETD2: BS2

Labcorp Genetics (formerly Invitae), Labcorp
Classification: Uncertain significance for Luscan-Lumish syndrome. Last evaluated: 2024-08-02. Review status: criteria provided, single submitter. Criteria: Invitae Variant Classification Sherloc (09022015). Collection method: clinical testing. Allele origin: germline.
Comment: This sequence change replaces lysine, which is basic and polar, with asparagine, which is neutral and polar, at codon 611 of the SETD2 protein (p.Lys611Asn). This variant is present in population databases (rs575862721, gnomAD 0.008%). This missense change has been observed in individual(s) with autism spectrum disorder (PMID: 25574603). ClinVar contains an entry for this variant (Variation ID: 582290). Advanced modeling of protein sequence and biophysical properties (such as structural, functional, and spatial information, amino acid conservation, physicochemical variation, residue mobility, and thermodynamic stability) performed at Invitae indicates that this missense variant is not expected to disrupt SETD2 protein function with a negative predictive value of 80%. In summary, the available evidence is currently insufficient to determine the role of this variant in disease. Therefore, it has been classified as a Variant of Uncertain Significance.

Genome-Nilou Lab
Classification: Uncertain significance for Luscan-Lumish syndrome. Last evaluated: 2022-03-15. Review status: criteria provided, single submitter. Criteria: ACMG Guidelines, 2015. Collection method: clinical testing. Allele origin: germline. Affected: no.

New York Genome Center
Classification: Uncertain significance for Luscan-Lumish syndrome. Last evaluated: 2020-04-18. Review status: criteria provided, single submitter. Criteria: NYGC Assertion Criteria 2020. Collection method: clinical testing. Allele origin: inherited. Observed: 1 heterozygote. Study: CSER-NYCKidSeq.
Comment: The p.Lys611Asn variant identified in SETD2 has not been reported in affected individuals in the literature. The variant has 0.000043 allele frequency in gnomAD database (12 out of 279,304 heterozygous alleles) indicating it is a rare allele in general population. The variant affects a moderately conserved residue andin silico prediction tools show conflicting interpretations about pathogenicity of this variant. Based on the current evidence, the p.Lys611Asn variant in the SETD2 gene is assessed as a variant of uncertain significance.

Literature cited by the submitters: PubMed 25574603 (cited by Labcorp Genetics (formerly Invitae), Labcorp).